The following is an entry in ClinVar:

ClinVar aggregate classification (germline): Pathogenic. Review status: criteria provided, multiple submitters, no conflicts (2 of 4 stars). 10 submissions from 10 submitters: Pathogenic (8). 2 of the submissions do not count toward it. Last evaluated 2026-03-15.

Conditions:
WT1-related disorder. Also called: WT1-related disorders. Identifiers: MedGen CN377814.
Wilms tumor 1 (WT1). Also called: Wilms tumor, somatic. Identifiers: Orphanet 654, MedGen CN033288, MONDO:0008679, OMIM 194070.
Frasier syndrome. Identifiers: Orphanet 347, MedGen C0950122, MeSH D052159, MONDO:0007635, OMIM 136680.
Nephrotic syndrome, type 4 (NPHS4). Also called: Familial mesangial sclerosis; Nephrotic syndrome, early onset with diffuse mesangial sclerosis. Identifiers: Orphanet 656, MedGen C3151568, MONDO:0009733, OMIM 256370.
Drash syndrome (DDS). Also called: WILMS TUMOR AND PSEUDO- OR TRUE HERMAPHRODITISM; NEPHROPATHY, WILMS TUMOR, AND GENITAL ANOMALIES. Identifiers: Orphanet 220, MedGen C0950121, MONDO:0008682, OMIM 194080.
11p partial monosomy syndrome (WAGR). Also called: CHROMOSOME 11p13 DELETION SYNDROME; WAGR Spectrum Disorder; WAGR syndrome; WAGR Complex. Identifiers: Orphanet 893, MedGen C0206115, MONDO:0008681, OMIM 194072.
Mesothelioma, malignant (MESOM). Also called: Malignant mesothelioma (disease). Identifiers: Orphanet 50251, MedGen C0345967, MONDO:0006292, OMIM 156240, HP:0100001.
Meacham syndrome. Also called: Meacham Winn Culler syndrome. Identifiers: Orphanet 3097, MedGen C1837026, MONDO:0012164, OMIM 608978.
Aniridia 1 (AN1). Identifiers: Orphanet 250923, MedGen C0344542, MONDO:0024507, OMIM 106210.

Submissions (10):

PreventionGenetics, part of Exact Sciences
Classification: Pathogenic for WT1-related condition. Last evaluated: 2026-03-15. Review status: criteria provided, single submitter. Criteria: ACMG Guidelines, 2015. Collection method: clinical testing. Allele origin: germline.
Comment: The WT1 c.1301G>A variant is predicted to result in the amino acid substitution p.Arg434His. This variant is alternatively referred to as c.1097G>A (p.Arg366His) in the literature. This variant has been reported to be pathogenic for Denys-Drash syndrome in 46,XY individuals with external female genitalia (Pelletier et al. 1991. PubMed ID: 1655284; Hillen et al. 2016. PubMed ID: 26882358). This variant was reported to occur de novo in at least one individual (See Neph107 in Nagano et al. 2020. PubMed ID: 31937884). This variant has also been reported in the heterozygous state in three unrelated 46,XX individuals with nephrotic syndrome (Hahn et al. 2006. PubMed ID: 164790804; Hillen et al. 2016. PubMed ID: 26882358; Bérody et al. 2019. PubMed ID: 29474669; Nagano et al. 2020. PubMed ID: 31937884). Of note, different changes affecting the same codon (p.Arg434Pro, p.Arg434Leu, p.Arg434Cys) have been widely reported to cause Denys-Drash syndrome (Jeanpierre et al. 1998. PubMed ID: 9529364; Fencl et al. 2012. PubMed ID: 21614510; Nishi et al. 2019. PubMed ID: 30963316). To our knowledge, this variant has not been reported in the literature or in a large population database (gnomAD), indicating this variant is rare. This variant is interpreted as pathogenic.

Labcorp Genetics (formerly Invitae), Labcorp
Classification: Pathogenic for Wilms tumor 1; Drash syndrome; 11p partial monosomy syndrome; Frasier syndrome. Last evaluated: 2025-12-02. Review status: criteria provided, single submitter. Criteria: Invitae Variant Classification Sherloc (09022015). Collection method: clinical testing. Allele origin: germline.
Comment: This sequence change replaces arginine, which is basic and polar, with histidine, which is basic and polar, at codon 434 of the WT1 protein (p.Arg434His). This variant is not present in population databases (gnomAD no frequency). This missense change has been observed in individuals with Denys-Drash syndrome and nephrotic syndrome (PMID: 1655284, 26882358, 27719739, 30721404, 30963316). This variant is also known as p.Arg366His. ClinVar contains an entry for this variant (Variation ID: 3488). Invitae Evidence Modeling of protein sequence and biophysical properties (such as structural, functional, and spatial information, amino acid conservation, physicochemical variation, residue mobility, and thermodynamic stability) indicates that this missense variant is expected to disrupt WT1 protein function with a positive predictive value of 80%. This variant disrupts the p.Arg434 amino acid residue in WT1. Other variant(s) that disrupt this residue have been determined to be pathogenic (PMID: 7795587, 9529364, 22172722, 27300205). This suggests that this residue is clinically significant, and that variants that disrupt this residue are likely to be disease-causing. For these reasons, this variant has been classified as Pathogenic.

Fulgent Genetics
Classification: Pathogenic for Aniridia 1; Frasier syndrome; Mesothelioma, malignant; Wilms tumor 1; 11p partial monosomy syndrome; Drash syndrome; Nephrotic syndrome, type 4; Meacham syndrome. Last evaluated: 2022-01-17. Review status: criteria provided, single submitter. Criteria: ACMG Guidelines, 2015. Collection method: clinical testing. Allele origin: unknown.

GeneDx
Classification: Pathogenic. Last evaluated: 2021-12-02. Review status: criteria provided, single submitter. Criteria: GeneDx Variant Classification Process June 2021. Collection method: clinical testing. Allele origin: germline. Affected: yes.
Comment: Identified in multiple individuals with Denys Drash syndrome as well as in patients with isolated diffuse mesangial sclerosis or early-onset nephrotic syndrome (Schumacher 1998, Pelletier 1991, Royer-Pokora 2004, Nishi 2019); Not observed in large population cohorts (gnomAD); In silico analysis, which includes protein predictors and evolutionary conservation, supports a deleterious effect; Also reported as c.1097G>A (R366H); This variant is associated with the following publications: (PMID: 16479084, 26882358, 30963316, 15150775, 9607189, 1655284, 29294058, 1338906, 7645607, 9529364, 11322369, 16932893, 17853480, 15026863, 18203154, 26891727, 21434831, 24402088, 8810912, 27719739, 28780565, 30721404, 31937884, 32604935, 29474669)

Laboratorio de Genetica e Diagnostico Molecular, Hospital Israelita Albert Einstein
Classification: Pathogenic for Nephrotic syndrome, type 4. Last evaluated: 2021-10-14. Review status: criteria provided, single submitter. Criteria: ACMG Guidelines, 2015. Collection method: clinical testing. Allele origin: germline. Affected: yes.
Comment: ACMG classification criteria: PS3 supporting, PS4 strong, PM2 moderate, PM6 strong

Baylor Genetics
Classification: Pathogenic for Wilms tumor 1. Last evaluated: 2021-06-11. Review status: criteria provided, single submitter. Criteria: ACMG Guidelines, 2015. Collection method: clinical testing. Allele origin: unknown.

Athena Diagnostics
Classification: Pathogenic. Last evaluated: 2020-07-20. Review status: criteria provided, single submitter. Criteria: Athena Diagnostics Criteria. Collection method: clinical testing. Allele origin: unknown.
Comment: Not found in the total gnomAD dataset, and the data is high quality. Predicted to have a damaging effect on the protein. Other pathogenic or likely pathogenic variants affect the same amino acid. Results on protein functions were inconclusive. 2 de novo cases with parental identity not confirmed. This variant has been identified in multiple unrelated individuals with clinical features associated with this gene.

Johns Hopkins Genomics, Johns Hopkins University
Classification: Pathogenic for Frasier syndrome; Wilms tumor 1; Drash syndrome; Nephrotic syndrome, type 4. Last evaluated: 2020-05-08. Review status: criteria provided, single submitter. Criteria: ACMG Guidelines, 2015. Collection method: clinical testing. Allele origin: germline.
Comment: This WT1 variant has been reported in multiple individuals presenting with congenital nephrotic syndrome. A functional study has demonstrated that this variant is associated with a decrease in DNA binding affinity when compared to the wild-type protein. WT1 c.1301G>A is located within one of the four zinc finger regions that are important for protein function. This variant is absent from a large population dataset and has been reported in ClinVar. Three bioinformatic tools queried predict that this substitution would be damaging, and the arginine residue at this position is highly evolutionarily conserved across all species assessed. We consider this variant to be pathogenic.

Human Genetics Disease in Children – Taif University, Taif University
Classification: Pathogenic for Drash syndrome. Last evaluated: 2016-01-01. Review status: no assertion criteria provided. Collection method: clinical testing. Allele origin: unknown. Affected: yes. Not counted in ClinVar's aggregate classification.

OMIM
Classification: Pathogenic for DENYS-DRASH SYNDROME. Last evaluated: 2008-02-15. Review status: no assertion criteria provided. Collection method: literature only. Allele origin: germline. Not counted in ClinVar's aggregate classification.

Literature cited by the submitters: PubMed 1655284 (cited by 3 submitters); PubMed 26882358 (cited by Labcorp Genetics (formerly Invitae), Labcorp); PubMed 27719739 (cited by Labcorp Genetics (formerly Invitae), Labcorp and Johns Hopkins Genomics, Johns Hopkins University); PubMed 30721404 (cited by Labcorp Genetics (formerly Invitae), Labcorp); PubMed 30963316 (cited by Labcorp Genetics (formerly Invitae), Labcorp and Johns Hopkins Genomics, Johns Hopkins University); PubMed 7795587 (cited by Labcorp Genetics (formerly Invitae), Labcorp); PubMed 9529364 (cited by Labcorp Genetics (formerly Invitae), Labcorp); PubMed 22172722 (cited by Labcorp Genetics (formerly Invitae), Labcorp); PubMed 27300205 (cited by Labcorp Genetics (formerly Invitae), Labcorp and Johns Hopkins Genomics, Johns Hopkins University); PubMed 21125408 (cited by Athena Diagnostics); PubMed 25720465 (cited by Athena Diagnostics); PubMed 1338906 (cited by Athena Diagnostics and OMIM); PubMed 8810912 (cited by Athena Diagnostics); PubMed 11322369 (cited by Athena Diagnostics); PubMed 21499692 (cited by Athena Diagnostics); PubMed 16932893 (cited by Athena Diagnostics); PubMed 11278460 (cited by Athena Diagnostics); PubMed 22099579 (cited by Athena Diagnostics); PubMed 9475094 (cited by Athena Diagnostics); PubMed 9607189 (cited by Athena Diagnostics); PubMed 11182928 (cited by Athena Diagnostics); PubMed 15150775 (cited by Athena Diagnostics); PubMed 18203154 (cited by Athena Diagnostics and OMIM); PubMed 31937884 (cited by Johns Hopkins Genomics, Johns Hopkins University).

NM_024426.6(WT1):c.1316G>A (p.Arg439His)

Gene: WT1 (WT1 transcription factor; minus strand). Cytogenetic location: 11p13.
Variant type: single nucleotide variant.
Coding change: c.1316G>A on transcript NM_024426.6 (MANE Select); coding-DNA position 1316, G replaced by A.
Protein change: p.Arg439His; replaces arginine 439 with histidine.
Molecular consequence: missense variant. On other transcripts: non-coding transcript variant (1).
Genome position (GRCh38, 1-based): chr11:32,392,704, C>T on the plus strand (G>A on the coding strand, the complement: WT1 is on the minus strand). VCF-style: chr11-32392704-C-T. GRCh37 (hg19) VCF-style: chr11-32414250-C-T.
Other names: R366H; c.1265G>A, p.Arg422His (NM_000378.6, NM_001407045.1, NM_001407049.1); c.665G>A, p.Arg222His (NM_001198551.2); c.614G>A, p.Arg205His (NM_001198552.2); c.128G>A, p.Arg43His (NM_001367854.1); c.1310G>A, p.Arg437His (NM_001407044.1); c.1316G>A, p.Arg439His (NM_001407046.1, NM_024424.5); c.1193G>A, p.Arg398His (NM_001407047.1); and 3 more; short protein forms R222H, R422H, R439H, R205H, R43H, R398H, R437H, R185H.
Identifiers: ClinVar variation 3488 (VCV000003488.19), dbSNP rs121907901, ClinGen allele CA016285.
Genomic context (GRCh38, chr11:32,392,704, plus strand): 5'-AATGAGAAGTGAACCTACAAACCTGTATGTCTCCTTTGGTGTCTTTTGAGCTGGTCTGAA[C>T]GAGAAAACCTTCGTTCACAGTCCTTGAAGTCACACTGGTATGGTTTCTCACCTTGGGGAA-3'
Protein context (NP_077744.4, residues 429-449): DFKDCERRFS[Arg439His]SDQLKRHQRR